The following is an entry in ClinVar:

NM_138295.5(PKD1L1):c.2927C>G (p.Pro976Arg)

Gene: PKD1L1 (polycystin 1 like 1, transient receptor potential channel interacting; minus strand). Cytogenetic location: 7p12.3.
Variant type: single nucleotide variant.
Coding change: c.2927C>G on transcript NM_138295.5 (MANE Select); coding-DNA position 2927, C replaced by G.
Protein change: p.Pro976Arg; replaces proline 976 with arginine.
Molecular consequence: missense variant.
Genome position (GRCh38, 1-based): chr7:47,885,964, G>C on the plus strand (C>G on the coding strand, the complement: PKD1L1 is on the minus strand). VCF-style: chr7-47885964-G-C. GRCh37 (hg19) VCF-style: chr7-47925562-G-C.
Other names: short protein forms P976R.
Identifiers: ClinVar variation 1708607 (VCV001708607.4), dbSNP rs148868922, ClinGen allele CA4253587.
Genomic context (GRCh38, chr7:47,885,964, plus strand): 5'-GTCACGGGTGAAGGTTCCCGTGAGAATGGTGTGGTCGTTGCATCAGGATCTGCAGTGCCA[G>C]GCTCAGTGGGCAGCAGGTTTAACTGTGATGACTCTGAAATGGCACCGAGTCCCAGCGAGC-3'
Protein context (NP_612152.1, residues 966-986): SSQLNLLPTE[Pro976Arg]GTADPDATTT

ClinVar aggregate classification (germline): Uncertain significance. Review status: criteria provided, multiple submitters, no conflicts (2 of 4 stars). 2 submissions from 2 submitters: Uncertain significance (2). Last evaluated 2025-05-16.

Conditions:
Inborn genetic diseases. Identifiers: MedGen C0950123, MeSH D030342.

Allele frequency attached by ClinVar (database versions not stated): gnomAD exomes 0.00003; gnomAD 0.00040; ExAC 0.00012; ESP Exome Variant Server 0.00023; 1000 Genomes Project 30x 0.00016; 1000 Genomes Project 0.00020; TOPMed 0.00044.
gnomAD v4.1: 114 of 1,614,216 alleles (0.0071%); highest among the groups gnomAD compares: African/African-American, 0.13%; no homozygotes.

Submissions (2):

Ambry Genetics
Classification: Uncertain significance for Inborn genetic diseases. Last evaluated: 2025-05-16. Review status: criteria provided, single submitter. Criteria: Ambry Variant Classification Scheme 2023. Collection method: clinical testing. Allele origin: germline.

GeneDx
Classification: Uncertain significance. Last evaluated: 2022-04-09. Review status: criteria provided, single submitter. Criteria: GeneDx Variant Classification Process June 2021. Collection method: clinical testing. Allele origin: germline. Affected: yes.
Comment: In silico analysis supports that this missense variant has a deleterious effect on protein structure/function; Has not been previously published as pathogenic or benign to our knowledge